The following is an entry in ClinVar:

ClinVar aggregate classification (germline): Uncertain significance (1 of 4 stars; one submission).

Conditions:
Early-infantile DEE. Also called: Early infantile epileptic encephalopathy; Ohtahara syndrome; Early infantile epileptic encephalopathy with suppression bursts. Identifiers: Orphanet 1934, MedGen C0393706, MONDO:0800491.

Allele frequency attached by ClinVar (database versions not stated): gnomAD exomes below 0.00001.

Submission:

Labcorp Genetics (formerly Invitae), Labcorp
Classification: Uncertain significance for Early-infantile DEE. Last evaluated: 2021-10-28. Review status: criteria provided, single submitter. Criteria: Invitae Variant Classification Sherloc (09022015). Collection method: clinical testing. Allele origin: germline.
Comment: This sequence change replaces tyrosine, which is neutral and polar, with cysteine, which is neutral and slightly polar, at codon 400 of the KCNH5 protein (p.Tyr400Cys). In summary, the available evidence is currently insufficient to determine the role of this variant in disease. Therefore, it has been classified as a Variant of Uncertain Significance. Advanced modeling of protein sequence and biophysical properties (such as structural, functional, and spatial information, amino acid conservation, physicochemical variation, residue mobility, and thermodynamic stability) performed at Invitae indicates that this missense variant is expected to disrupt KCNH5 protein function. This variant has not been reported in the literature in individuals affected with KCNH5-related conditions. This variant is not present in population databases (gnomAD no frequency).

NM_139318.5(KCNH5):c.1199A>G (p.Tyr400Cys)

Gene: KCNH5 (potassium voltage-gated channel subfamily H member 5; minus strand). Cytogenetic location: 14q23.2.
Variant type: single nucleotide variant.
Coding change: c.1199A>G on transcript NM_139318.5 (MANE Select); coding-DNA position 1199, A replaced by G.
Protein change: p.Tyr400Cys; replaces tyrosine 400 with cysteine.
Molecular consequence: missense variant.
Genome position (GRCh38, 1-based): chr14:62,950,303, T>C on the plus strand (A>G on the coding strand, the complement: KCNH5 is on the minus strand). VCF-style: chr14-62950303-T-C. GRCh37 (hg19) VCF-style: chr14-63417021-T-C.
Other names: c.1199A>G, p.Tyr400Cys (NM_172375.3); short protein forms Y400C.
Identifiers: ClinVar variation 1353793 (VCV001353793.7), dbSNP rs2140130437, ClinGen allele CA390103046.